The following is an entry in ClinVar:

NM_000143.4(FH):c.1420A>G (p.Thr474Ala)

Gene: FH (fumarate hydratase; minus strand). Cytogenetic location: 1q43.
Variant type: single nucleotide variant.
Coding change: c.1420A>G on transcript NM_000143.4 (MANE Select); coding-DNA position 1420, A replaced by G.
Protein change: p.Thr474Ala; replaces threonine 474 with alanine.
Molecular consequence: missense variant.
Genome position (GRCh38, 1-based): chr1:241,497,941, T>C on the plus strand (A>G on the coding strand, the complement: FH is on the minus strand). VCF-style: chr1-241497941-T-C. GRCh37 (hg19) VCF-style: chr1-241661241-T-C.
Other names: short protein forms T474A.
Identifiers: ClinVar variation 1772245 (VCV001772245.3), dbSNP rs2527308592, ClinGen allele CA345450863.
Genomic context (GRCh38, chr1:241,497,941, plus strand): 5'-CTGTGAGATAGCCAAGTTCGATAGCAGTTTCCTTTAAGGTTGATCCATTTTTGTGTGCTG[T>C]CTTAGCAATCTTTGCTGCCTTGTCATACCCTGAAGAAAAAATAAAAAGACGACATATGGG-3'
Protein context (NP_000134.2, residues 464-484): GYDKAAKIAK[Thr474Ala]AHKNGSTLKE

ClinVar aggregate classification (germline): Uncertain significance (1 of 4 stars; one submission).

Conditions:
Hereditary cancer-predisposing syndrome. Also called: Hereditary Cancer Syndrome; Hereditary neoplastic syndrome; Neoplastic Syndromes, Hereditary; Tumor predisposition. Identifiers: Orphanet 140162, MedGen C0027672, MeSH D009386, MONDO:0015356.

Submission:

Ambry Genetics
Classification: Uncertain significance for Hereditary cancer-predisposing syndrome. Last evaluated: 2025-04-25. Review status: criteria provided, single submitter. Criteria: Ambry Variant Classification Scheme 2023. Collection method: clinical testing. Allele origin: germline.
Comment: The p.T474A variant (also known as c.1420A>G), located in coding exon 10 of the FH gene, results from an A to G substitution at nucleotide position 1420. The threonine at codon 474 is replaced by alanine, an amino acid with similar properties. This amino acid position is highly conserved in available vertebrate species. In addition, the in silico prediction for this alteration is inconclusive. Since supporting evidence is limited at this time, the clinical significance of this alteration remains unclear.